The following is an entry in ClinVar:

NM_173354.5(SIK1):c.204G>A (p.Leu68=)

Gene: SIK1 (salt inducible kinase 1; minus strand). Cytogenetic location: 21q22.3.
Variant type: single nucleotide variant.
Coding change: c.204G>A on transcript NM_173354.5 (MANE Select); coding-DNA position 204, G replaced by A.
Protein change: p.Leu68=; no amino-acid change (leucine 68 retained).
Molecular consequence: synonymous variant.
Genome position (GRCh38, 1-based): chr21:43,425,476, C>T on the plus strand (G>A on the coding strand, the complement: SIK1 is on the minus strand). VCF-style: chr21-43425476-C-T. GRCh37 (hg19) VCF-style: chr21-44845356-C-T.
Identifiers: ClinVar variation 1575867 (VCV001575867.16), dbSNP rs144182369, ClinGen allele CA321329849.

ClinVar aggregate classification (germline): Likely benign. Review status: criteria provided, multiple submitters, no conflicts (2 of 4 stars). 2 submissions from 2 submitters: Likely benign (2). Last evaluated 2025-07-01.

Conditions:
Developmental and epileptic encephalopathy, 30 (DEE30). Also called: Epileptic encephalopathy, early infantile, 30. Identifiers: MedGen C4225360, MONDO:0014595, OMIM 616341.

Allele frequency attached by ClinVar (database versions not stated): ESP Exome Variant Server 0.00008.

Submissions (2):

CeGaT Center for Human Genetics Tuebingen
Classification: Likely benign. Last evaluated: 2025-07-01. Review status: criteria provided, single submitter. Criteria: CeGaT Center For Human Genetics Tuebingen Variant Classification Criteria Version 2. Collection method: clinical testing. Allele origin: germline. Affected: yes. Observed: 1 variant allele.
Comment: SIK1: PM2:Supporting, BP4, BS2

Labcorp Genetics (formerly Invitae), Labcorp
Classification: Likely benign for Developmental and epileptic encephalopathy, 30. Last evaluated: 2023-09-27. Review status: criteria provided, single submitter. Criteria: Invitae Variant Classification Sherloc (09022015). Collection method: clinical testing. Allele origin: germline.